The following is an entry in ClinVar:

ClinVar aggregate classification (germline): Pathogenic (1 of 4 stars; one submission).

Conditions:
Tuberous sclerosis 2 (TSC2). Identifiers: Orphanet 805, MedGen C1860707, MONDO:0013199, OMIM 613254.

Submission:

Labcorp Genetics (formerly Invitae), Labcorp
Classification: Pathogenic for Tuberous sclerosis 2. Last evaluated: 2022-10-05. Review status: criteria provided, single submitter. Criteria: Invitae Variant Classification Sherloc (09022015). Collection method: clinical testing. Allele origin: germline.
Comment: A gross deletion of the genomic region encompassing the full coding sequence of the TSC2 gene has been identified. Loss-of-function variants in TSC2 are known to be pathogenic (PMID: 10205261, 17304050). The boundaries of this event are unknown as they extend beyond the assayed region for this gene and therefore may encompass additional genes. A similar copy number variant has been observed in individual(s) with tuberous sclerosis complex (PMID: 16114042, 17287951). For these reasons, this variant has been classified as Pathogenic.

Literature cited by the submitters: PubMed 10205261; PubMed 17304050; PubMed 16114042; PubMed 17287951.

NC_000016.9:g.(?_2034220)_(2152787_?)del

Genes: GFER (growth factor, augmenter of liver regeneration; plus strand), MIR1225 (microRNA 1225; minus strand), NHERF2 (NHERF family PDZ scaffold protein 2; plus strand), NPW (neuropeptide W; plus strand), NTHL1 (nth like DNA glycosylase 1; minus strand) and 4 more. Cytogenetic location: 16p13.3.
Variant type: Deletion.
Identifiers: ClinVar variation 2423309 (VCV002423309.3).